The following is an entry in ClinVar:

ClinVar aggregate classification (germline): Likely benign. Review status: criteria provided, multiple submitters, no conflicts (2 of 4 stars). 2 submissions from 2 submitters: Likely benign (2). Last evaluated 2024-04-20.

Allele frequency attached by ClinVar (database versions not stated): ExAC 0.00001; gnomAD exomes 0.00001; TOPMed 0.00003; ESP Exome Variant Server 0.00008.
gnomAD v4.1: 10 of 1,612,690 alleles (0.00062%); highest among the groups gnomAD compares: African/African-American, 0.004%; no homozygotes.

Submissions (2):

Labcorp Genetics (formerly Invitae), Labcorp
Classification: Likely benign. Last evaluated: 2024-04-20. Review status: criteria provided, single submitter. Criteria: Invitae Variant Classification Sherloc (09022015). Collection method: clinical testing. Allele origin: germline.

GeneDx
Classification: Likely benign. Last evaluated: 2017-03-27. Review status: criteria provided, single submitter. Criteria: GeneDx Variant Classification (06012015). Collection method: clinical testing. Allele origin: germline. Affected: yes.
Comment: This variant is considered likely benign or benign based on one or more of the following criteria: it is a conservative change, it occurs at a poorly conserved position in the protein, it is predicted to be benign by multiple in silico algorithms, and/or has population frequency not consistent with disease.

NM_002496.4(NDUFS8):c.237G>A (p.Pro79=)

Gene: NDUFS8 (NADH:ubiquinone oxidoreductase core subunit S8; plus strand). Cytogenetic location: 11q13.2.
Variant type: single nucleotide variant.
Coding change: c.237G>A on transcript NM_002496.4 (MANE Select); coding-DNA position 237, G replaced by A.
Protein change: p.Pro79=; no amino-acid change (proline 79 retained).
Molecular consequence: synonymous variant.
Genome position (GRCh38, 1-based): chr11:68,033,148, G>A. VCF-style: chr11-68033148-G-A. GRCh37 (hg19) VCF-style: chr11-67800615-G-A.
Identifiers: ClinVar variation 507736 (VCV000507736.3), dbSNP rs139408619, ClinGen allele CA6146429.